The following is an entry in ClinVar:

NM_000214.3(JAG1):c.941del (p.Asn314fs)

Gene: JAG1 (jagged canonical Notch ligand 1; minus strand). Cytogenetic location: 20p12.2.
Variant type: Deletion.
Coding change: c.941del on transcript NM_000214.3 (MANE Select); coding-DNA position 941, one base deleted (A; older notation c.941delA).
Protein change: p.Asn314fs; shifts the reading frame from asparagine 314.
Molecular consequence: frameshift variant.
Genome position (GRCh38, 1-based): chr20:10,652,196, T deleted on the plus strand (A on the coding strand, the reverse complement: JAG1 is on the minus strand); the first of 2 consecutive T bases (chr20:10,652,196-10,652,197); deleting either gives the same sequence. VCF-style (leftmost placement, unchanged base first): chr20-10652195-GT-G. GRCh37 (hg19) VCF-style: chr20-10632843-GT-G.
Other names: short protein forms N314fs.
Identifiers: ClinVar variation 2059892 (VCV002059892.4), dbSNP rs2514521326, ClinGen allele CA2580097934.

ClinVar aggregate classification (germline): Pathogenic (1 of 4 stars; one submission).

Conditions:
Alagille syndrome due to a JAG1 point mutation. Also called: HEPATIC DUCTULAR HYPOPLASIA, SYNDROMATIC; JAG1-Related Alagille Syndrome; Alagille Syndrome 1. Identifiers: Orphanet 261619, Orphanet 52, MedGen C1956125, MONDO:0016862, OMIM 118450.

Submission:

Labcorp Genetics (formerly Invitae), Labcorp
Classification: Pathogenic for Alagille syndrome due to a JAG1 point mutation. Last evaluated: 2021-12-25. Review status: criteria provided, single submitter. Criteria: Invitae Variant Classification Sherloc (09022015). Collection method: clinical testing. Allele origin: germline.
Comment: This sequence change creates a premature translational stop signal (p.Asn314Thrfs*98) in the JAG1 gene. It is expected to result in an absent or disrupted protein product. Loss-of-function variants in JAG1 are known to be pathogenic (PMID: 11180599). For these reasons, this variant has been classified as Pathogenic. This variant has not been reported in the literature in individuals affected with JAG1-related conditions. This variant is not present in population databases (gnomAD no frequency).

Literature cited by the submitters: PubMed 11180599.